The following is an entry in ClinVar:

NM_014795.4(ZEB2):c.874A>T (p.Lys292Ter)

Gene: ZEB2 (zinc finger E-box binding homeobox 2; minus strand). Cytogenetic location: 2q22.3.
Variant type: single nucleotide variant.
Coding change: c.874A>T on transcript NM_014795.4 (MANE Select); coding-DNA position 874, A replaced by T.
Protein change: p.Lys292Ter; replaces lysine 292 with a stop codon.
Molecular consequence: nonsense.
Genome position (GRCh38, 1-based): chr2:144,401,241, T>A on the plus strand (A>T on the coding strand, the complement: ZEB2 is on the minus strand). VCF-style: chr2-144401241-T-A. GRCh37 (hg19) VCF-style: chr2-145158808-T-A.
Other names: c.802A>T, p.Lys268Ter (NM_001171653.2); short protein forms K268*, K292*.
Identifiers: ClinVar variation 1069634 (VCV001069634.7), dbSNP rs2149877963, ClinGen allele CA348713546.

ClinVar aggregate classification (germline): Pathogenic (1 of 4 stars; one submission).

Conditions:
Mowat-Wilson syndrome (MOWS). Also called: Classic Mowat-Wilson Syndrome. Identifiers: Orphanet 2152, MedGen C1856113, MONDO:0009341, OMIM 235730.

Submission:

Labcorp Genetics (formerly Invitae), Labcorp
Classification: Pathogenic for Mowat-Wilson syndrome. Last evaluated: 2020-05-20. Review status: criteria provided, single submitter. Criteria: Invitae Variant Classification Sherloc (09022015). Collection method: clinical testing. Allele origin: germline.
Comment: For these reasons, this variant has been classified as Pathogenic. Loss-of-function variants in ZEB2 are known to be pathogenic (PMID: 16053902). This variant has not been reported in the literature in individuals with ZEB2-related conditions. This variant is not present in population databases (ExAC no frequency). This sequence change creates a premature translational stop signal (p.Lys292*) in the ZEB2 gene. It is expected to result in an absent or disrupted protein product.

Literature cited by the submitters: PubMed 16053902.